The following is an entry in ClinVar:

NM_006859.4(LIAS):c.511G>A (p.Gly171Ser)

Gene: LIAS (lipoic acid synthetase; plus strand). Cytogenetic location: 4p14.
Variant type: single nucleotide variant.
Coding change: c.511G>A on transcript NM_006859.4 (MANE Select); coding-DNA position 511, G replaced by A.
Protein change: p.Gly171Ser; replaces glycine 171 with serine.
Molecular consequence: missense variant. On other transcripts: intron variant (1).
Genome position (GRCh38, 1-based): chr4:39,465,163, G>A. VCF-style: chr4-39465163-G-A. GRCh37 (hg19) VCF-style: chr4-39466783-G-A.
Other names: c.511G>A, p.Gly171Ser (NM_001278590.2, NM_194451.3); c.299+1558G>A (NM_001363700.2); short protein forms G171S.
Identifiers: ClinVar variation 1905864 (VCV001905864.2), dbSNP rs2475000181, ClinGen allele CA356664593.
Genomic context (GRCh38, chr4:39,465,163, plus strand): 5'-AATCCTCCTCCACTGGATGCCAGTGAGCCCTACAATACTGCAAAGGCAATTGCAGAATGG[G>A]GTCTGGATTATGTTGTCCTGACATCTGTGGATCGAGATGGTTAGTGTGTCATCATGGCCT-3'
Protein context (NP_006850.2, residues 161-181): YNTAKAIAEW[Gly171Ser]LDYVVLTSVD

ClinVar aggregate classification (germline): Uncertain significance (1 of 4 stars; one submission).

Conditions:
Lipoic acid synthetase deficiency. Also called: HYPERGLYCINEMIA, LACTIC ACIDOSIS, AND SEIZURES. Identifiers: Orphanet 401859, MedGen C3280887, MONDO:0013762, OMIM 614462.

Submission:

Labcorp Genetics (formerly Invitae), Labcorp
Classification: Uncertain significance for Lipoic acid synthetase deficiency. Last evaluated: 2022-04-12. Review status: criteria provided, single submitter. Criteria: Invitae Variant Classification Sherloc (09022015). Collection method: clinical testing. Allele origin: germline.
Comment: This sequence change replaces glycine, which is neutral and non-polar, with serine, which is neutral and polar, at codon 171 of the LIAS protein (p.Gly171Ser). This variant is not present in population databases (gnomAD no frequency). This variant has not been reported in the literature in individuals affected with LIAS-related conditions. Algorithms developed to predict the effect of missense changes on protein structure and function (SIFT, PolyPhen-2, Align-GVGD) all suggest that this variant is likely to be disruptive. In summary, the available evidence is currently insufficient to determine the role of this variant in disease. Therefore, it has been classified as a Variant of Uncertain Significance.